The following is an entry in ClinVar:

ClinVar aggregate classification (germline): Uncertain significance (1 of 4 stars; one submission).

Conditions:
Hypertrophic cardiomyopathy 10. Also called: CARDIOMYOPATHY, HYPERTROPHIC, MID-LEFT VENTRICULAR CHAMBER TYPE, 2; MYL2-Related Familial Hypertrophic Cardiomyopathy. Identifiers: MedGen C1834460, MONDO:0012112, OMIM 608758.

Allele frequency attached by ClinVar (database versions not stated): gnomAD exomes below 0.00001.
gnomAD v4.1: 1 of 1,612,236 alleles (0.000062%); highest among the groups gnomAD compares: Admixed American, 0.0017%; no homozygotes.

Submission:

Labcorp Genetics (formerly Invitae), Labcorp
Classification: Uncertain significance for Hypertrophic cardiomyopathy 10. Last evaluated: 2022-05-10. Review status: criteria provided, single submitter. Criteria: Invitae Variant Classification Sherloc (09022015). Collection method: clinical testing. Allele origin: germline.
Comment: The frequency data for this variant in the population databases is considered unreliable, as metrics indicate poor data quality at this position in the gnomAD database. This sequence change replaces aspartic acid, which is acidic and polar, with glycine, which is neutral and non-polar, at codon 145 of the MYL2 protein (p.Asp145Gly). This missense change has been observed in individual(s) with sudden unexplained death (PMID: 29247119). In summary, the available evidence is currently insufficient to determine the role of this variant in disease. Therefore, it has been classified as a Variant of Uncertain Significance. Algorithms developed to predict the effect of missense changes on protein structure and function are either unavailable or do not agree on the potential impact of this missense change (SIFT: "Tolerated"; PolyPhen-2: "Probably Damaging"; Align-GVGD: "Class C0"). ClinVar contains an entry for this variant (Variation ID: 1018178).

Literature cited by the submitters: PubMed 29247119.

NM_000432.4(MYL2):c.434A>G (p.Asp145Gly)

Gene: MYL2 (myosin light chain 2; minus strand). Cytogenetic location: 12q24.11.
Variant type: single nucleotide variant.
Coding change: c.434A>G on transcript NM_000432.4 (MANE Select); coding-DNA position 434, A replaced by G.
Protein change: p.Asp145Gly; replaces aspartic acid 145 with glycine.
Molecular consequence: missense variant.
Genome position (GRCh38, 1-based): chr12:110,911,144, T>C on the plus strand (A>G on the coding strand, the complement: MYL2 is on the minus strand). VCF-style: chr12-110911144-T-C. GRCh37 (hg19) VCF-style: chr12-111348948-T-C.
Other names: short protein forms D145G.
Identifiers: ClinVar variation 1018178 (VCV001018178.9), dbSNP rs1255677666, ClinGen allele CA386696916.